The following is an entry in ClinVar:

ClinVar aggregate classification (germline): Pathogenic. Review status: criteria provided, multiple submitters, no conflicts (2 of 4 stars). 3 submissions from 3 submitters: Pathogenic (3). Last evaluated 2025-03-09.

Conditions:
Hereditary cancer-predisposing syndrome. Also called: Tumor predisposition; Hereditary neoplastic syndrome; Hereditary Cancer Syndrome; Neoplastic Syndromes, Hereditary. Identifiers: Orphanet 140162, MedGen C0027672, MeSH D009386, MONDO:0015356.
Familial adenomatous polyposis 1 (FAP1). Also called: POLYPOSIS, ADENOMATOUS INTESTINAL; FAMILIAL ADENOMATOUS POLYPOSIS 1, ATTENUATED. Identifiers: MedGen C2713442, MONDO:0021056, OMIM 175100. Disease mechanism: loss of function.

Allele frequency attached by ClinVar (database versions not stated): gnomAD exomes below 0.00001.

Submissions (3):

Labcorp Genetics (formerly Invitae), Labcorp
Classification: Pathogenic for Familial adenomatous polyposis 1. Last evaluated: 2025-03-09. Review status: criteria provided, single submitter. Criteria: Invitae Variant Classification Sherloc (09022015). Collection method: clinical testing. Allele origin: germline.
Comment: This sequence change creates a premature translational stop signal (p.Ser2005Tyrfs*40) in the APC gene. While this is not anticipated to result in nonsense mediated decay, it is expected to disrupt the last 839 amino acid(s) of the APC protein. This variant is not present in population databases (gnomAD no frequency). This premature translational stop signal has been observed in individual(s) with APC-related conditions (internal data). ClinVar contains an entry for this variant (Variation ID: 575384). This variant is expected to disrupt the EB1 and HDLG binding sites, which mediate interactions with the cytoskeleton (PMID: 15311282, 17293347). While functional studies have not been performed to directly test the effect on APC protein function, this suggests that disruption of the C-terminal portion of the protein is functionally important. A different truncation (p.Tyr2645Lysfs*14) that lies downstream of this variant has been determined to be pathogenic (PMID: 9824584, 1316610, 27081525, 8381579, 22135120, internal data). This suggests that deletion of this region of the APC protein is causative of disease. For these reasons, this variant has been classified as Pathogenic.

Myriad Genetics, Inc.
Classification: Pathogenic for Familial adenomatous polyposis 1. Last evaluated: 2023-05-15. Review status: criteria provided, single submitter. Criteria: Myriad Autosomal Dominant, Autosomal Recessive and X-Linked Classification Criteria (2023). Collection method: clinical testing. Allele origin: unknown.
Comment: This variant is considered pathogenic. This variant creates a frameshift predicted to result in premature protein truncation.

Ambry Genetics
Classification: Pathogenic for Hereditary cancer-predisposing syndrome. Last evaluated: 2022-10-24. Review status: criteria provided, single submitter. Criteria: Ambry Variant Classification Scheme 2023. Collection method: clinical testing. Allele origin: germline.
Comment: The c.6011_6012insTT pathogenic mutation, located in coding exon 15 of the APC gene, results from an insertion of two nucleotides at position 6011, causing a translational frameshift with a predicted alternate stop codon (p.S2005Yfs*40). This variant is considered to be rare based on population cohorts in the Genome Aggregation Database (gnomAD). This alteration is expected to result in loss of function by premature protein truncation or nonsense-mediated mRNA decay. As such, this alteration is interpreted as a disease-causing mutation.

Literature cited by the submitters: PubMed 15311282 (cited by Labcorp Genetics (formerly Invitae), Labcorp); PubMed 17293347 (cited by Labcorp Genetics (formerly Invitae), Labcorp); PubMed 9824584 (cited by Labcorp Genetics (formerly Invitae), Labcorp); PubMed 1316610 (cited by Labcorp Genetics (formerly Invitae), Labcorp); PubMed 27081525 (cited by Labcorp Genetics (formerly Invitae), Labcorp); PubMed 8381579 (cited by Labcorp Genetics (formerly Invitae), Labcorp); PubMed 22135120 (cited by Labcorp Genetics (formerly Invitae), Labcorp).

NM_000038.6(APC):c.6011_6012insTT (p.Ser2005fs)

Gene: APC (APC regulator of Wnt signaling pathway; plus strand). Cytogenetic location: 5q22.2.
Variant type: Insertion.
Coding change: c.6011_6012insTT on transcript NM_000038.6 (MANE Select); coding-DNA positions 6011 to 6012, TT inserted.
Protein change: p.Ser2005fs; shifts the reading frame from serine 2005.
Molecular consequence: frameshift variant.
Genome position: GRCh38 VCF-style: chr5-112841605-C-CTT. GRCh37 (hg19) VCF-style: chr5-112177302-C-CTT.
Other names: c.6011_6012insTT, p.Ser2005fs (NM_001354895.2, NM_001127510.3); c.6065_6066insTT, p.Ser2023fs (NM_001354896.2); c.5834_5835insTT, p.Ser1946fs (NM_001354901.2); c.5936_5937insTT, p.Ser1980fs (NM_001354898.2); c.6041_6042insTT, p.Ser2015fs (NM_001354897.2); c.5927_5928insTT, p.Ser1977fs (NM_001354899.2); c.5888_5889insTT, p.Ser1964fs (NM_001354900.2); c.5957_5958insTT, p.Ser1987fs (NM_001127511.3); and 5 more; short protein forms S1879fs, S1946fs, S1964fs, S1987fs, S2005fs, S1977fs, S2023fs, S1845fs.
Identifiers: ClinVar variation 575384 (VCV000575384.13), dbSNP rs1561604514, ClinGen allele CA891843027.